The following is an entry in ClinVar:

ClinVar aggregate classification (germline): Uncertain significance (1 of 4 stars; one submission).

Conditions:
Bloom syndrome (BLM). Also called: Bloom-Torre-Machacek syndrome. Identifiers: Orphanet 125, MedGen C0005859, MONDO:0008876, OMIM 210900.

Submission:

Labcorp Genetics (formerly Invitae), Labcorp
Classification: Uncertain significance for Bloom syndrome. Last evaluated: 2022-12-06. Review status: criteria provided, single submitter. Criteria: Invitae Variant Classification Sherloc (09022015). Collection method: clinical testing. Allele origin: germline.
Comment: This variant has not been reported in the literature in individuals affected with BLM-related conditions. In summary, the available evidence is currently insufficient to determine the role of this variant in disease. Therefore, it has been classified as a Variant of Uncertain Significance. Advanced modeling of protein sequence and biophysical properties (such as structural, functional, and spatial information, amino acid conservation, physicochemical variation, residue mobility, and thermodynamic stability) performed at Invitae indicates that this missense variant is not expected to disrupt BLM protein function. ClinVar contains an entry for this variant (Variation ID: 1061531). This variant is not present in population databases (gnomAD no frequency). This sequence change replaces proline, which is neutral and non-polar, with threonine, which is neutral and polar, at codon 1291 of the BLM protein (p.Pro1291Thr).

NM_000057.4(BLM):c.3871C>A (p.Pro1291Thr)

Gene: BLM (BLM RecQ like helicase; plus strand). Cytogenetic location: 15q26.1.
Variant type: single nucleotide variant.
Coding change: c.3871C>A on transcript NM_000057.4 (MANE Select); coding-DNA position 3871, C replaced by A.
Protein change: p.Pro1291Thr; replaces proline 1291 with threonine.
Molecular consequence: missense variant.
Genome position (GRCh38, 1-based): chr15:90,809,256, C>A. VCF-style: chr15-90809256-C-A. GRCh37 (hg19) VCF-style: chr15-91352486-C-A.
Other names: c.3871C>A, p.Pro1291Thr (NM_001287246.2); c.3478C>A, p.Pro1160Thr (NM_001287247.2); c.2746C>A, p.Pro916Thr (NM_001287248.2); short protein forms P1160T, P1291T, P916T.
Identifiers: ClinVar variation 1061531 (VCV001061531.9), dbSNP rs1234718913, ClinGen allele CA393849845.